The following is an entry in ClinVar:

NM_133259.4(LRPPRC):c.1891G>T (p.Glu631Ter)

Gene: LRPPRC (leucine rich pentatricopeptide repeat containing; minus strand). Cytogenetic location: 2p21.
Variant type: single nucleotide variant.
Coding change: c.1891G>T on transcript NM_133259.4 (MANE Select); coding-DNA position 1891, G replaced by T.
Protein change: p.Glu631Ter; replaces glutamic acid 631 with a stop codon.
Molecular consequence: nonsense.
Genome position (GRCh38, 1-based): chr2:43,948,151, C>A on the plus strand (G>T on the coding strand, the complement: LRPPRC is on the minus strand). VCF-style: chr2-43948151-C-A. GRCh37 (hg19) VCF-style: chr2-44175290-C-A.
Other names: short protein forms E631*.
Identifiers: ClinVar variation 2846415 (VCV002846415.3), dbSNP rs369324297, ClinGen allele CA346676059.
Genomic context (GRCh38, chr2:43,948,151, plus strand): 5'-TTTATCCAGTTGATTGCTATTTCACACACACCTTAATCAATTCAGGAACATGGTAGCTTT[C>A]CAGGAGATTACGAATGCCTCTGTAGATATTTTCAGGAATTTTTACATTCTGTGAGAAGGG-3'

ClinVar aggregate classification (germline): Pathogenic (1 of 4 stars; one submission).

Submission:

Labcorp Genetics (formerly Invitae), Labcorp
Classification: Pathogenic. Last evaluated: 2023-03-27. Review status: criteria provided, single submitter. Criteria: Invitae Variant Classification Sherloc (09022015). Collection method: clinical testing. Allele origin: germline.
Comment: For these reasons, this variant has been classified as Pathogenic. This sequence change creates a premature translational stop signal (p.Glu631*) in the LRPPRC gene. It is expected to result in an absent or disrupted protein product. Loss-of-function variants in LRPPRC are known to be pathogenic (PMID: 26510951). This variant is not present in population databases (gnomAD no frequency). This variant has not been reported in the literature in individuals affected with LRPPRC-related conditions.

Literature cited by the submitters: PubMed 26510951.